The following is an entry in ClinVar:

ClinVar aggregate classification (germline): Benign/Likely benign. Review status: criteria provided, multiple submitters, no conflicts (2 of 4 stars). 12 submissions from 11 submitters: Benign (2); Likely benign (8). 2 of the submissions do not count toward it. Last evaluated 2026-01-31.

Conditions:
Autoinflammatory syndrome. Identifiers: Orphanet 93665, MedGen C3890737, MONDO:0019751.
Porokeratosis 3, disseminated superficial actinic type (POROK3). Also called: POROKERATOSIS 3, MULTIPLE TYPES; POROKERATOSIS 3, MIBELLI TYPE; POROKERATOSIS, DISSEMINATED SUPERFICIAL ACTINIC, 1. Identifiers: MedGen C1867981, MONDO:0008293, OMIM 175900.
Mevalonic aciduria (MEVA). Identifiers: Orphanet 29, MedGen C1959626, MONDO:0012481, OMIM 610377.
Hyperimmunoglobulin D with periodic fever (HIDS). Also called: Hyperimmunoglobulinemia D; Hyperimmunoglobulinemia D with periodic fever; HYPERIMMUNOGLOBULINEMIA D AND PERIODIC FEVER SYNDROME. Identifiers: Orphanet 343, MedGen C0398691, MONDO:0009849, OMIM 260920.

Allele frequency attached by ClinVar (database versions not stated): gnomAD exomes 0.00050; ExAC 0.00053; 1000 Genomes Project 30x 0.00078; 1000 Genomes Project 0.00080; gnomAD 0.00190 and 0.00208; TOPMed 0.00208; ESP Exome Variant Server 0.00223.
gnomAD v4.1: 554 of 1,613,936 alleles (0.034%); highest among the groups gnomAD compares: African/African-American, 0.61%; 3 homozygotes.

Submissions (12):

Labcorp Genetics (formerly Invitae), Labcorp
Classification: Benign for Mevalonic aciduria; Hyperimmunoglobulin D with periodic fever; Porokeratosis 3, disseminated superficial actinic type. Last evaluated: 2026-01-31. Review status: criteria provided, single submitter. Criteria: Invitae Variant Classification Sherloc (09022015). Collection method: clinical testing. Allele origin: germline.

Mayo Clinic Laboratories, Mayo Clinic
Classification: Likely benign. Last evaluated: 2025-06-10. Review status: criteria provided, single submitter. Criteria: ACMG Guidelines, 2015. Collection method: clinical testing. Allele origin: germline. Observed: 3 variant alleles.
Comment: BS1, BP4, BP7

Blueprint Genetics
Classification: Likely benign. Last evaluated: 2024-11-22. Review status: criteria provided, single submitter. Criteria: ACMG Guidelines, 2015. Collection method: clinical testing. Allele origin: germline.

ARUP Laboratories, Molecular Genetics and Genomics, ARUP Laboratories
Classification: Likely benign. Last evaluated: 2023-08-16. Review status: criteria provided, single submitter. Criteria: ARUP Molecular Germline Variant Investigation Process 2024. Collection method: clinical testing. Allele origin: germline.

Genome Diagnostics Laboratory, The Hospital for Sick Children
Classification: Likely benign for Autoinflammatory syndrome. Last evaluated: 2021-05-18. Review status: criteria provided, single submitter. Criteria: ACMG Guidelines, 2015. Collection method: clinical testing. Allele origin: germline. Affected: yes.

Eurofins Ntd Llc (ga)
Classification: Likely benign. Last evaluated: 2018-03-07. Review status: criteria provided, single submitter. Criteria: EGL ClinVar v180209 classification definitions. Collection method: clinical testing. Allele origin: germline. Observed: 1 variant allele, 1 heterozygote.

Illumina Laboratory Services, Illumina
Classification: Likely benign for Mevalonic aciduria. Last evaluated: 2018-01-12. Review status: criteria provided, single submitter. Criteria: ICSL Variant Classification Criteria 13 December 2019. Collection method: clinical testing. Allele origin: germline.
Comment: This variant was observed in the ICSL laboratory as part of a predisposition screen in an ostensibly healthy population. It had not been previously curated by ICSL or reported in the Human Gene Mutation Database (HGMD: prior to June 1st, 2018), and was therefore a candidate for classification through an automated scoring system. Utilizing variant allele frequency, disease prevalence and penetrance estimates, and inheritance mode, an automated score was calculated to assess if this variant is too frequent to cause the disease. Based on the score and internal cut-off values, a variant classified as likely benign is not then subjected to further curation. The score for this variant resulted in a classification of likely benign for this disease.

Illumina Laboratory Services, Illumina
Classification: Likely benign for Hyperimmunoglobulin D with periodic fever. Last evaluated: 2018-01-12. Review status: criteria provided, single submitter. Criteria: ICSL Variant Classification Criteria 13 December 2019. Collection method: clinical testing. Allele origin: germline.
Comment: the same text as in the submission from Illumina Laboratory Services, Illumina above.

GeneDx
Classification: Benign. Last evaluated: 2012-04-02. Review status: criteria provided, single submitter. Criteria: GeneDx Variant Classification (06012015). Collection method: clinical testing. Allele origin: germline. Affected: yes.
Comment: This variant is considered likely benign or benign based on one or more of the following criteria: it is a conservative change, it occurs at a poorly conserved position in the protein, it is predicted to be benign by multiple in silico algorithms, and/or has population frequency not consistent with disease.

Breakthrough Genomics
Classification: Likely benign. Review status: criteria provided, single submitter. Criteria: ACMG Guidelines, 2015. Collection method: not provided. Allele origin: germline. Inheritance: Autosomal recessive inheritance. Affected: yes.

Clinical Genetics, Academic Medical Center
Classification: Benign. Review status: no assertion criteria provided. Collection method: clinical testing. Allele origin: germline. Affected: yes. Study: VKGL Data-share Consensus. Not counted in ClinVar's aggregate classification.

Genome Diagnostics Laboratory, University Medical Center Utrecht
Classification: Likely benign. Review status: no assertion criteria provided. Collection method: clinical testing. Allele origin: germline. Affected: yes. Study: VKGL Data-share Consensus. Not counted in ClinVar's aggregate classification.

NM_000431.4(MVK):c.381G>A (p.Pro127=)

Gene: MVK (mevalonate kinase; plus strand). Cytogenetic location: 12q24.11.
Variant type: single nucleotide variant.
Coding change: c.381G>A on transcript NM_000431.4 (MANE Select); coding-DNA position 381, G replaced by A.
Protein change: p.Pro127=; no amino-acid change (proline 127 retained).
Molecular consequence: synonymous variant. On other transcripts: intron variant (1).
Genome position (GRCh38, 1-based): chr12:109,581,404, G>A. VCF-style: chr12-109581404-G-A. GRCh37 (hg19) VCF-style: chr12-110019209-G-A.
Other names: p.P127P:CCG>CCA; p.Pro127=; c.381G>A, p.Pro127= (NM_001114185.3); c.371+1458G>A (NM_001301182.2); c.381G>A (LRG_156t1).
Identifiers: ClinVar variation 138313 (VCV000138313.34), dbSNP rs140397628, ClinGen allele CA292253.